The following is an entry in ClinVar:

ClinVar aggregate classification (germline): Uncertain significance (1 of 4 stars; one submission).

Allele frequency attached by ClinVar (database versions not stated): gnomAD exomes below 0.00001; TOPMed below 0.00001.
gnomAD v4.1: 1 of 1,610,622 alleles (0.000062%); highest among the groups gnomAD compares: Non-Finnish European, 0.000085%; no homozygotes.

Submission:

Labcorp Genetics (formerly Invitae), Labcorp
Classification: Uncertain significance. Last evaluated: 2021-11-23. Review status: criteria provided, single submitter. Criteria: Invitae Variant Classification Sherloc (09022015). Collection method: clinical testing. Allele origin: germline.
Comment: In summary, the available evidence is currently insufficient to determine the role of this variant in disease. Therefore, it has been classified as a Variant of Uncertain Significance. Algorithms developed to predict the effect of missense changes on protein structure and function (SIFT, PolyPhen-2, Align-GVGD) all suggest that this variant is likely to be tolerated. This variant has not been reported in the literature in individuals affected with LAMA1-related conditions. This variant is not present in population databases (gnomAD no frequency). This sequence change replaces glycine, which is neutral and non-polar, with serine, which is neutral and polar, at codon 2448 of the LAMA1 protein (p.Gly2448Ser).

NM_005559.4(LAMA1):c.7342G>A (p.Gly2448Ser)

Gene: LAMA1 (laminin subunit alpha 1; minus strand). Cytogenetic location: 18p11.31.
Variant type: single nucleotide variant.
Coding change: c.7342G>A on transcript NM_005559.4 (MANE Select); coding-DNA position 7342, G replaced by A.
Protein change: p.Gly2448Ser; replaces glycine 2448 with serine.
Molecular consequence: missense variant.
Genome position (GRCh38, 1-based): chr18:6,962,055, C>T on the plus strand (G>A on the coding strand, the complement: LAMA1 is on the minus strand). VCF-style: chr18-6962055-C-T. GRCh37 (hg19) VCF-style: chr18-6962054-C-T.
Other names: short protein forms G2448S.
Identifiers: ClinVar variation 1394608 (VCV001394608.6), dbSNP rs770715483, ClinGen allele CA401824300.